The following is an entry in ClinVar:

ClinVar aggregate classification (germline): Conflicting classifications of pathogenicity. Review status: criteria provided, conflicting classifications (1 of 4 stars). 2 submissions from 2 submitters: Uncertain significance (1); Likely benign (1). Last evaluated 2024-09-13.

Conditions:
Myofibrillar myopathy 4. Also called: Zaspopathy (type). Identifiers: Orphanet 98912, MedGen C4721886, MONDO:0012277, OMIM 609452.

Allele frequency attached by ClinVar (database versions not stated): TOPMed 0.00010; ExAC 0.00011.
gnomAD v4.1: 207 of 1,613,522 alleles (0.013%); highest among the groups gnomAD compares: Non-Finnish European, 0.016%; no homozygotes.

Submissions (2):

Blueprint Genetics
Classification: Likely benign. Last evaluated: 2024-09-13. Review status: criteria provided, single submitter. Criteria: ACMG Guidelines, 2015. Collection method: clinical testing. Allele origin: germline.

Labcorp Genetics (formerly Invitae), Labcorp
Classification: Uncertain significance for Myofibrillar myopathy 4. Last evaluated: 2024-03-04. Review status: criteria provided, single submitter. Criteria: Invitae Variant Classification Sherloc (09022015). Collection method: clinical testing. Allele origin: germline.
Comment: This sequence change falls in intron 5 of the LDB3 gene. It does not directly change the encoded amino acid sequence of the LDB3 protein. It affects a nucleotide within the consensus splice site. This variant is present in population databases (rs764620834, gnomAD 0.01%). This variant has not been reported in the literature in individuals affected with LDB3-related conditions. ClinVar contains an entry for this variant (Variation ID: 301334). Variants that disrupt the consensus splice site are a relatively common cause of aberrant splicing (PMID: 17576681, 9536098). Algorithms developed to predict the effect of sequence changes on RNA splicing suggest that this variant is not likely to affect RNA splicing. In summary, the available evidence is currently insufficient to determine the role of this variant in disease. Therefore, it has been classified as a Variant of Uncertain Significance.

Literature cited by the submitters: PubMed 17576681 (cited by Labcorp Genetics (formerly Invitae), Labcorp); PubMed 9536098 (cited by Labcorp Genetics (formerly Invitae), Labcorp).

NM_007078.3(LDB3):c.690-4618C>A

Genes: LDB3 (LIM domain binding 3; plus strand), LOC110121486 (VISTA enhancer hs2143; plus strand). Cytogenetic location: 10q23.2.
Variant type: single nucleotide variant.
Coding change: c.690-4618C>A on transcript NM_007078.3 (MANE Select); 4618 bases into the intron before coding-DNA position 690, C replaced by A.
Molecular consequence: intron variant.
Genome position (GRCh38, 1-based): chr10:86,687,278, C>A. VCF-style: chr10-86687278-C-A. GRCh37 (hg19) VCF-style: chr10-88447035-C-A.
Other names: c.690-4618C>A (NM_001368064.1, NM_001368063.1, NM_001368065.1 and 1 more transcripts); c.548+6C>A (NM_001368068.1, NM_001368066.1, NM_001080114.2 and 2 more transcripts); c.893+6C>A (NM_001171610.2, NM_001171611.2).
Identifiers: ClinVar variation 301334 (VCV000301334.9), dbSNP rs764620834, ClinGen allele CA5584841.
Genomic context (GRCh38, chr10:86,687,278, plus strand): 5'-CCATCATGGATGCCATCGCTGGGCAGGCCCAAGCCCAAGGCAGTGACTTCAGTGGGTAAG[C>A]GCCTCCCTCCTCCACCGCCACTCAGTGCCTCCAGAGCCCGAGGGGTATGGGCCATTGGGC-3'